The following is an entry in ClinVar:

NM_000257.4(MYH7):c.2684A>T (p.Gln895Leu)

Gene: MYH7 (myosin heavy chain 7; minus strand). Cytogenetic location: 14q11.2.
Variant type: single nucleotide variant.
Coding change: c.2684A>T on transcript NM_000257.4 (MANE Select); coding-DNA position 2684, A replaced by T.
Protein change: p.Gln895Leu; replaces glutamine 895 with leucine.
Molecular consequence: missense variant.
Genome position (GRCh38, 1-based): chr14:23,424,145, T>A on the plus strand (A>T on the coding strand, the complement: MYH7 is on the minus strand). VCF-style: chr14-23424145-T-A. GRCh37 (hg19) VCF-style: chr14-23893354-T-A.
Other names: short protein forms Q895L.
Identifiers: ClinVar variation 843860 (VCV000843860.9), dbSNP rs1892600025, ClinGen allele CA389047388.

ClinVar aggregate classification (germline): Uncertain significance (1 of 4 stars; one submission).

Conditions:
Hypertrophic cardiomyopathy. Also called: HYPERTROPHIC MYOCARDIOPATHY. Identifiers: Orphanet 217569, MedGen C0007194, MeSH D002312, MONDO:0005045, HP:0001639.

Submission:

Labcorp Genetics (formerly Invitae), Labcorp
Classification: Uncertain significance for Hypertrophic cardiomyopathy. Last evaluated: 2024-07-01. Review status: criteria provided, single submitter. Criteria: Invitae Variant Classification Sherloc (09022015). Collection method: clinical testing. Allele origin: germline.
Comment: This sequence change replaces glutamine, which is neutral and polar, with leucine, which is neutral and non-polar, at codon 895 of the MYH7 protein (p.Gln895Leu). This variant is not present in population databases (gnomAD no frequency). This missense change has been observed in individual(s) with dilated cardiomyopathy (Invitae). ClinVar contains an entry for this variant (Variation ID: 843860). Advanced modeling of protein sequence and biophysical properties (such as structural, functional, and spatial information, amino acid conservation, physicochemical variation, residue mobility, and thermodynamic stability) performed at Invitae indicates that this missense variant is expected to disrupt MYH7 protein function with a positive predictive value of 95%. In summary, the available evidence is currently insufficient to determine the role of this variant in disease. Therefore, it has been classified as a Variant of Uncertain Significance.